The following is an entry in ClinVar:

NM_020822.3(KCNT1):c.3189G>T (p.Ser1063=)

Gene: KCNT1 (potassium sodium-activated channel subfamily T member 1; plus strand). Cytogenetic location: 9q34.3.
Variant type: single nucleotide variant.
Coding change: c.3189G>T on transcript NM_020822.3 (MANE Select); coding-DNA position 3189, G replaced by T.
Protein change: p.Ser1063=; no amino-acid change (serine 1063 retained).
Molecular consequence: synonymous variant.
Genome position (GRCh38, 1-based): chr9:135,786,208, G>T. VCF-style: chr9-135786208-G-T. GRCh37 (hg19) VCF-style: chr9-138678054-G-T.
Other names: c.3054G>T, p.Ser1018= (NM_001272003.2).
Identifiers: ClinVar variation 733100 (VCV000733100.10), dbSNP rs777914546, ClinGen allele CA467820968.
Genomic context (GRCh38, chr9:135,786,208, plus strand): 5'-TCCCGGCAGCCTCACCCCTCCCCGCCCTGCCCTGCCCTGCCCTGCCCAGTCCCAGATCTC[G>T]GTGAACGTGGAGGACTGTGAGGACACACGGGAAGTGAAGGGGCCCTGGGGCTCCCGCGCT-3'
Protein context (NP_065873.2, residues 1053-1073): PHDLRAQSQI[Ser1063=]VNVEDCEDTR

ClinVar aggregate classification (germline): Likely benign. Review status: criteria provided, multiple submitters, no conflicts (2 of 4 stars). 2 submissions from 2 submitters: Likely benign (2). Last evaluated 2026-04-12.

Conditions:
KCNT1-related disorder. Also called: KCNT1-related condition.
Autosomal dominant nocturnal frontal lobe epilepsy 5. Also called: Epilepsy, nocturnal frontal lobe, 5; KCNT1-Related Epilepsy; CILIARY DYSKINESIA, PRIMARY, 28, WITHOUT SITUS INVERSUS; CILIARY DYSKINESIA, PRIMARY, 28, WITH SITUS INVERSUS. Identifiers: Orphanet 98784, MedGen C3554306, MONDO:0014002, OMIM 615005.
Developmental and epileptic encephalopathy, 14 (DEE14). Also called: Early infantile epileptic encephalopathy 14. Identifiers: Orphanet 293181, MedGen C3554195, MONDO:0013989, OMIM 614959.

gnomAD v4.1: 5 of 1,596,474 alleles (0.00031%); highest among the groups gnomAD compares: Non-Finnish European, 0.00043%; no homozygotes.

Submissions (2):

PreventionGenetics, part of Exact Sciences
Classification: Likely benign for KCNT1-related condition. Last evaluated: 2026-04-12. Review status: criteria provided, single submitter. Criteria: ACMG Guidelines, 2015. Collection method: clinical testing. Allele origin: germline.
Comment: This variant is classified as likely benign based on ACMG/AMP sequence variant interpretation guidelines (Richards et al. 2015 PMID: 25741868, with internal and published modifications).

Labcorp Genetics (formerly Invitae), Labcorp
Classification: Likely benign for Autosomal dominant nocturnal frontal lobe epilepsy 5; Developmental and epileptic encephalopathy, 14. Last evaluated: 2025-07-09. Review status: criteria provided, single submitter. Criteria: Invitae Variant Classification Sherloc (09022015). Collection method: clinical testing. Allele origin: germline.